The following is an entry in ClinVar:

ClinVar aggregate classification (germline): Pathogenic (1 of 4 stars; one submission).

Conditions:
Marfan syndrome (MFS). Also called: Marfan syndrome type 1; Marfan's syndrome; FBN1-Related Marfan Syndrome; MARFAN SYNDROME, TYPE I; Marfan syndrome, classic. Identifiers: Orphanet 284963, Orphanet 558, MedGen C0024796, MONDO:0007947, OMIM 154700.

Submission:

Centre of Medical Genetics, University of Antwerp
Classification: Pathogenic for Marfan syndrome. Last evaluated: 2021-03-01. Review status: criteria provided, single submitter. Criteria: Submitter's publication. Collection method: research. Allele origin: unknown. Affected: yes.
Comment: PM2, PVS1, PP4

NM_000138.5(FBN1):c.7116dup (p.Pro2373fs)

Gene: FBN1 (fibrillin 1; minus strand). Cytogenetic location: 15q21.1.
Variant type: Duplication.
Coding change: c.7116dup on transcript NM_000138.5 (MANE Select); coding-DNA position 7116, one base duplicated (T; older notation c.7116dupT).
Protein change: p.Pro2373fs; shifts the reading frame from proline 2373.
Molecular consequence: frameshift variant.
Genome position (GRCh38, 1-based): chr15:48,427,655, A duplicated on the plus strand (T on the coding strand, the reverse complement: FBN1 is on the minus strand). VCF-style (leftmost placement, unchanged base first): chr15-48427654-G-GA. GRCh37 (hg19) VCF-style: chr15-48719851-G-GA.
Other names: c.7116dup, p.Pro2373fs (NM_001406716.1); short protein forms P2373fs.
Identifiers: ClinVar variation 1325451 (VCV001325451.2), dbSNP rs2141228932, ClinGen allele CA2573150953.